The following is an entry in ClinVar:

ClinVar aggregate classification (germline): Pathogenic (1 of 4 stars; one submission).

Conditions:
Osteogenesis imperfecta type I (OI1). Also called: OI, TYPE I; OSTEOGENESIS IMPERFECTA TARDA; OSTEOGENESIS IMPERFECTA WITH BLUE SCLERAE; Lobstein's Disease; Classic Non-deforming Osteogenesis Imperfecta with Blue Sclerae; Lobstein disease. Identifiers: Orphanet 216796, Orphanet 666, MedGen C0023931, MONDO:0008146, OMIM 166200. Disease mechanism: loss of function.
Ehlers-Danlos syndrome, classic type, 1 (EDSCL1). Also called: Ehlers-Danlos Syndrome, Classic Type, COL5A1-Related; EDS I; Ehlers-Danlos syndrome, type 1; EHLERS-DANLOS SYNDROME, GRAVIS TYPE; EHLERS-DANLOS SYNDROME, SEVERE CLASSIC TYPE. Identifiers: MedGen C0268335, MONDO:0019567, OMIM 130000.

Submission:

Labcorp Genetics (formerly Invitae), Labcorp
Classification: Pathogenic for Osteogenesis imperfecta type I; Ehlers-Danlos syndrome, classic type, 1. Last evaluated: 2025-05-05. Review status: criteria provided, single submitter. Criteria: Invitae Variant Classification Sherloc (09022015). Collection method: clinical testing. Allele origin: germline.
Comment: This sequence change replaces glycine, which is neutral and non-polar, with glutamic acid, which is acidic and polar, at codon 814 of the COL1A2 protein (p.Gly814Glu). This variant is not present in population databases (gnomAD no frequency). This missense change has been observed in individuals with osteogenesis imperfecta (PMID: 27748872; internal data). ClinVar contains an entry for this variant (Variation ID: 526888). Invitae Evidence Modeling of protein sequence and biophysical properties (such as structural, functional, and spatial information, amino acid conservation, physicochemical variation, residue mobility, and thermodynamic stability) indicates that this missense variant is expected to disrupt COL1A2 protein function with a positive predictive value of 95%. This variant disrupts the triple helix domain of COL1A2. Glycine residues within the Gly-Xaa-Yaa repeats of the triple helix domain are required for the structure and stability of fibrillar collagens (PMID: 7695699, 8218237, 19344236). In COL1A2, variants affecting these glycine residues are significantly enriched in individuals with disease (PMID: 9016532, 17078022) compared to the general population (ExAC). For these reasons, this variant has been classified as Pathogenic.

Literature cited by the submitters: PubMed 27748872; PubMed 7695699; PubMed 8218237; PubMed 19344236; PubMed 9016532; PubMed 17078022.

NM_000089.4(COL1A2):c.2441G>A (p.Gly814Glu)

Gene: COL1A2 (collagen type I alpha 2 chain; plus strand). Cytogenetic location: 7q21.3.
Variant type: single nucleotide variant.
Coding change: c.2441G>A on transcript NM_000089.4 (MANE Select); coding-DNA position 2441, G replaced by A.
Protein change: p.Gly814Glu; replaces glycine 814 with glutamic acid.
Molecular consequence: missense variant.
Genome position (GRCh38, 1-based): chr7:94,422,994, G>A. VCF-style: chr7-94422994-G-A. GRCh37 (hg19) VCF-style: chr7-94052306-G-A.
Other names: short protein forms G814E.
Identifiers: ClinVar variation 526888 (VCV000526888.10), dbSNP rs1554397975, ClinGen allele CA368223938.